The following is an entry in ClinVar:

ClinVar aggregate classification (germline): Likely pathogenic (1 of 4 stars; one submission).

Submission:

Labcorp Genetics (formerly Invitae), Labcorp
Classification: Likely pathogenic. Last evaluated: 2023-02-22. Review status: criteria provided, single submitter. Criteria: Invitae Variant Classification Sherloc (09022015). Collection method: clinical testing. Allele origin: germline.
Comment: This variant is not present in population databases (gnomAD no frequency). This sequence change affects an acceptor splice site in intron 26 of the COL4A3 gene. It is expected to disrupt RNA splicing. Variants that disrupt the donor or acceptor splice site typically lead to a loss of protein function (PMID: 16199547), and loss-of-function variants in COL4A3 are known to be pathogenic (PMID: 8956999, 24854265, 26809805, 27281700). Disruption of this splice site has been observed in individual(s) with Alport syndrome (PMID: 33772369). In summary, the currently available evidence indicates that the variant is pathogenic, but additional data are needed to prove that conclusively. Therefore, this variant has been classified as Likely Pathogenic. Algorithms developed to predict the effect of sequence changes on RNA splicing suggest that this variant may disrupt the consensus splice site.

Literature cited by the submitters: PubMed 16199547; PubMed 8956999; PubMed 24854265; PubMed 26809805; PubMed 27281700; PubMed 33772369.

NM_000091.5(COL4A3):c.1928-2A>G

Genes: COL4A3 (collagen type IV alpha 3 chain; plus strand), MFF-DT (MFF divergent transcript; minus strand). Cytogenetic location: 2q36.3.
Variant type: single nucleotide variant.
Coding change: c.1928-2A>G on transcript NM_000091.5 (MANE Select); the canonical splice acceptor site of the intron before coding-DNA position 1928, A replaced by G.
Molecular consequence: splice acceptor variant.
Genome position (GRCh38, 1-based): chr2:227,276,383, A>G. VCF-style: chr2-227276383-A-G. GRCh37 (hg19) VCF-style: chr2-228141099-A-G.
Identifiers: ClinVar variation 3006983 (VCV003006983.3), dbSNP rs2469722765, ClinGen allele CA350845988.